The following is an entry in ClinVar:

ClinVar aggregate classification (germline): Pathogenic/Likely pathogenic. Review status: criteria provided, multiple submitters, no conflicts (2 of 4 stars). 4 submissions from 4 submitters: Pathogenic (3); Likely pathogenic (1). Last evaluated 2025-02-06.

Conditions:
Fanconi anemia complementation group J. Also called: BRIP1-Related Fanconi Anemia. Identifiers: Orphanet 84, MedGen C1836860, MONDO:0012187, OMIM 609054.
Familial cancer of breast. Also called: BREAST CANCER, FAMILIAL; Hereditary breast cancer; hereditary breast carcinoma. Identifiers: Orphanet 227535, MedGen C0346153, MONDO:0016419, OMIM 114480. Disease mechanism: loss of function.
Hereditary cancer-predisposing syndrome. Also called: Tumor predisposition; Neoplastic Syndromes, Hereditary; Hereditary Cancer Syndrome; Hereditary neoplastic syndrome. Identifiers: Orphanet 140162, MedGen C0027672, MeSH D009386, MONDO:0015356.

Submissions (4):

Labcorp Genetics (formerly Invitae), Labcorp
Classification: Pathogenic for Familial cancer of breast; Fanconi anemia complementation group J. Last evaluated: 2025-02-06. Review status: criteria provided, single submitter. Criteria: Invitae Variant Classification Sherloc (09022015). Collection method: clinical testing. Allele origin: germline.
Comment: This sequence change creates a premature translational stop signal (p.Leu43Phefs*26) in the BRIP1 gene. It is expected to result in an absent or disrupted protein product. Loss-of-function variants in BRIP1 are known to be pathogenic (PMID: 16116423, 17033622, 21964575). This variant is not present in population databases (gnomAD no frequency). This variant has not been reported in the literature in individuals affected with BRIP1-related conditions. ClinVar contains an entry for this variant (Variation ID: 1769067). For these reasons, this variant has been classified as Pathogenic.

Ambry Genetics
Classification: Pathogenic for Hereditary cancer-predisposing syndrome. Last evaluated: 2024-12-06. Review status: criteria provided, single submitter. Criteria: Ambry Variant Classification Scheme 2023. Collection method: clinical testing. Allele origin: germline.
Comment: The c.128dupT pathogenic mutation, located in coding exon 2 of the BRIP1 gene, results from a duplication of T at nucleotide position 128, causing a translational frameshift with a predicted alternate stop codon (p.L43Ffs*26). This alteration is expected to result in loss of function by premature protein truncation or nonsense-mediated mRNA decay. As such, this alteration is interpreted as a disease-causing mutation.

Myriad Genetics, Inc.
Classification: Pathogenic for Familial cancer of breast. Last evaluated: 2023-05-30. Review status: criteria provided, single submitter. Criteria: Myriad Autosomal Dominant, Autosomal Recessive and X-Linked Classification Criteria (2023). Collection method: clinical testing. Allele origin: unknown.
Comment: This variant is considered pathogenic. This variant creates a frameshift predicted to result in premature protein truncation.

Baylor Genetics
Classification: Likely pathogenic for Familial cancer of breast. Last evaluated: 2021-12-03. Review status: criteria provided, single submitter. Criteria: ACMG Guidelines, 2015. Collection method: clinical testing. Allele origin: unknown.

Literature cited by the submitters: PubMed 16116423 (cited by Labcorp Genetics (formerly Invitae), Labcorp); PubMed 17033622 (cited by Labcorp Genetics (formerly Invitae), Labcorp); PubMed 21964575 (cited by Labcorp Genetics (formerly Invitae), Labcorp).

NM_032043.3(BRIP1):c.128dup (p.Leu43fs)

Gene: BRIP1 (BRCA1 interacting DNA helicase 1; minus strand). Cytogenetic location: 17q23.2.
Variant type: Duplication.
Coding change: c.128dup on transcript NM_032043.3 (MANE Select); coding-DNA position 128, one base duplicated (T; older notation c.128dupT).
Protein change: p.Leu43fs; shifts the reading frame from leucine 43.
Molecular consequence: frameshift variant.
Genome position (GRCh38, 1-based): chr17:61,859,873, A duplicated on the plus strand (T on the coding strand, the reverse complement: BRIP1 is on the minus strand); the first of 3 consecutive A bases (chr17:61,859,873-61,859,875); duplicating any one gives the same sequence. VCF-style (leftmost placement, unchanged base first): chr17-61859872-C-CA. GRCh37 (hg19) VCF-style: chr17-59937233-C-CA.
Other names: c.128dupT (NM_032043.2); short protein forms L43fs.
Identifiers: ClinVar variation 1769067 (VCV001769067.9), dbSNP rs2545472874, ClinGen allele CA2580094653.